The following is an entry in ClinVar:

NM_001204.7(BMPR2):c.2202del (p.Pro735fs)

Gene: BMPR2 (bone morphogenetic protein receptor type 2; plus strand). Cytogenetic location: 2q33.2.
Variant type: Deletion.
Coding change: c.2202del on transcript NM_001204.7 (MANE Select); coding-DNA position 2202, one base deleted (T; older notation c.2202delT).
Protein change: p.Pro735fs; shifts the reading frame from proline 735.
Molecular consequence: frameshift variant.
Genome position (GRCh38, 1-based): chr2:202,555,867, T deleted; the last of 2 consecutive T bases (chr2:202,555,866-202,555,867); deleting either gives the same sequence. VCF-style (leftmost placement, unchanged base first): chr2-202555865-AT-A. GRCh37 (hg19) VCF-style: chr2-203420588-AT-A.
Other names: short protein forms P735fs.
Identifiers: ClinVar variation 845712 (VCV000845712.12), dbSNP rs1688559190, ClinGen allele CA916082272.
Genomic context (GRCh38, chr2:202,555,865, plus strand): 5'-GCAGTAGAAGCAACTGGACAGCAGGACTTCACACAGACTGCAAATGGCCAAGCATGTTTG[AT>A]TCCTGATGTTCTGCCTACTCAGATCTATCCTCTCCCCAAGCAGCAGAACCTTCCCAAGAG-3'

ClinVar aggregate classification (germline): Pathogenic. Review status: criteria provided, single submitter (1 of 4 stars). 2 submissions from 2 submitters: Pathogenic (1). 1 of the submissions does not count toward it. Last evaluated 2019-04-06.

Conditions:
Idiopathic and/or familial pulmonary arterial hypertension. Identifiers: Orphanet 422, MedGen C5679820, MONDO:0008347.
Pulmonary arterial hypertension. Identifiers: Orphanet 182090, MedGen C2973725, MeSH D000081029, MONDO:0015924, HP:0002092.
Primary pulmonary hypertension. Also called: Idiopathic pulmonary hypertension. Identifiers: MedGen C0152171.

Submissions (2):

Labcorp Genetics (formerly Invitae), Labcorp
Classification: Pathogenic for Primary pulmonary hypertension. Last evaluated: 2019-04-06. Review status: criteria provided, single submitter. Criteria: Invitae Variant Classification Sherloc (09022015). Collection method: clinical testing. Allele origin: germline.
Comment: This sequence change creates a premature translational stop signal (p.Pro735Leufs*26) in the BMPR2 gene. It is expected to result in an absent or disrupted protein product. This variant is not present in population databases (ExAC no frequency). This variant has not been reported in the literature in individuals with BMPR2-related conditions. Loss-of-function variants in BMPR2 are known to be pathogenic (PMID: 16429395). For these reasons, this variant has been classified as Pathogenic.

Wendy Chung Laboratory, Boston Children's Hospital
No classification provided. Condition: Idiopathic and/or familial pulmonary arterial hypertension. Review status: no classification provided. Collection method: literature only. Allele origin: germline. Affected: yes. Not counted in ClinVar's aggregate classification.

Literature cited by the submitters: PubMed 16429395 (cited by Labcorp Genetics (formerly Invitae), Labcorp); PubMed 31727138 (cited by Wendy Chung Laboratory, Boston Children's Hospital).